The following is an entry in ClinVar:

NM_002470.4(MYH3):c.4912G>A (p.Ala1638Thr)

Gene: MYH3 (myosin heavy chain 3; minus strand). Cytogenetic location: 17p13.1.
Variant type: single nucleotide variant.
Coding change: c.4912G>A on transcript NM_002470.4 (MANE Select); coding-DNA position 4912, G replaced by A.
Protein change: p.Ala1638Thr; replaces alanine 1638 with threonine.
Molecular consequence: missense variant.
Genome position (GRCh38, 1-based): chr17:10,632,520, C>T on the plus strand (G>A on the coding strand, the complement: MYH3 is on the minus strand). VCF-style: chr17-10632520-C-T. GRCh37 (hg19) VCF-style: chr17-10535837-C-T.
Other names: short protein forms A1638T.
Identifiers: ClinVar variation 4747700 (VCV004747700.1).

ClinVar aggregate classification (germline): Uncertain significance (1 of 4 stars; one submission).

gnomAD v4.1: 6 of 1,614,164 alleles (0.00037%); highest among the groups gnomAD compares: Non-Finnish European, 0.00051%; no homozygotes.

Submission:

Labcorp Genetics (formerly Invitae), Labcorp
Classification: Uncertain significance. Last evaluated: 2025-04-02. Review status: criteria provided, single submitter. Criteria: Invitae Variant Classification Sherloc (09022015). Collection method: clinical testing. Allele origin: germline.
Comment: This sequence change replaces alanine, which is neutral and non-polar, with threonine, which is neutral and polar, at codon 1638 of the MYH3 protein (p.Ala1638Thr). This variant is not present in population databases (gnomAD no frequency). This variant has not been reported in the literature in individuals affected with MYH3-related conditions. Invitae Evidence Modeling of protein sequence and biophysical properties (such as structural, functional, and spatial information, amino acid conservation, physicochemical variation, residue mobility, and thermodynamic stability) indicates that this missense variant is not expected to disrupt MYH3 protein function with a negative predictive value of 95%. In summary, the available evidence is currently insufficient to determine the role of this variant in disease. Therefore, it has been classified as a Variant of Uncertain Significance.